The following is an entry in ClinVar:

ClinVar aggregate classification (germline): Uncertain significance (1 of 4 stars; one submission).

Allele frequency attached by ClinVar (database versions not stated): TOPMed below 0.00001; gnomAD exomes 0.00002; ExAC 0.00004.
gnomAD v4.1: 30 of 1,516,384 alleles (0.002%); highest among the groups gnomAD compares: Non-Finnish European, 0.0026%; no homozygotes.

Submission:

Labcorp Genetics (formerly Invitae), Labcorp
Classification: Uncertain significance. Last evaluated: 2025-07-13. Review status: criteria provided, single submitter. Criteria: Invitae Variant Classification Sherloc (09022015). Collection method: clinical testing. Allele origin: germline.
Comment: This sequence change affects an acceptor splice site in intron 2 of the MYLK3 gene. It is expected to disrupt RNA splicing. Variants that disrupt the donor or acceptor splice site typically lead to a loss of protein function (PMID: 16199547), however the current clinical and genetic evidence is not sufficient to establish whether loss-of-function variants in MYLK3 cause disease. The frequency data for this variant in the population databases is considered unreliable, as metrics indicate poor data quality at this position in the gnomAD database. This variant has not been reported in the literature in individuals affected with MYLK3-related conditions. ClinVar contains an entry for this variant (Variation ID: 1483701). Algorithms developed to predict the effect of sequence changes on RNA splicing suggest that this variant may disrupt the consensus splice site. In summary, the available evidence is currently insufficient to determine the role of this variant in disease. Therefore, it has been classified as a Variant of Uncertain Significance.

Literature cited by the submitters: PubMed 16199547.

NM_182493.3(MYLK3):c.569-2A>G

Gene: MYLK3 (myosin light chain kinase 3; minus strand). Cytogenetic location: 16q11.2.
Variant type: single nucleotide variant.
Coding change: c.569-2A>G on transcript NM_182493.3 (MANE Select); the canonical splice acceptor site of the intron before coding-DNA position 569, A replaced by G.
Molecular consequence: splice acceptor variant. On other transcripts: intron variant (1).
Genome position (GRCh38, 1-based): chr16:46,738,145, T>C on the plus strand (A>G on the coding strand, the complement: MYLK3 is on the minus strand). VCF-style: chr16-46738145-T-C. GRCh37 (hg19) VCF-style: chr16-46772057-T-C.
Other names: c.-23+1912A>G (NM_001308301.1).
Identifiers: ClinVar variation 1483701 (VCV001483701.6), dbSNP rs776264425, ClinGen allele CA8038197.